The following is an entry in ClinVar:

ClinVar aggregate classification (germline): Uncertain significance (1 of 4 stars; one submission).

gnomAD v4.1: 1 of 1,560,638 alleles (0.000064%); highest among the groups gnomAD compares: Non-Finnish European, 0.000087%; no homozygotes.

Submission:

Ambry Genetics
Classification: Uncertain significance. Last evaluated: 2024-12-15. Review status: criteria provided, single submitter. Criteria: Ambry Variant Classification Scheme 2023. Collection method: clinical testing. Allele origin: germline.
Comment: The p.P128S variant (also known as c.382C>T), located in coding exon 4 of the RAD51B gene, results from a C to T substitution at nucleotide position 382. The proline at codon 128 is replaced by serine, an amino acid with similar properties. This amino acid position is conserved. In addition, the in silico prediction for this alteration is inconclusive. Based on the available evidence, the clinical significance of this variant remains unclear.

NM_133510.4(RAD51B):c.382C>T (p.Pro128Ser)

Gene: RAD51B (RAD51 paralog B; plus strand). Cytogenetic location: 14q24.1.
Variant type: single nucleotide variant.
Coding change: c.382C>T on transcript NM_133510.4 (MANE Select); coding-DNA position 382, C replaced by T.
Protein change: p.Pro128Ser; replaces proline 128 with serine.
Molecular consequence: missense variant.
Genome position (GRCh38, 1-based): chr14:67,865,069, C>T. VCF-style: chr14-67865069-C-T. GRCh37 (hg19) VCF-style: chr14-68331786-C-T.
Other names: c.382C>T, p.Pro128Ser (NM_001321809.2, NM_001321810.2, NM_001321812.1 and 6 more transcripts); c.268C>T, p.Pro90Ser (NM_001321815.1); c.25C>T, p.Pro9Ser (NM_001321817.2); short protein forms P128S, P90S, P9S.
Identifiers: ClinVar variation 3786376 (VCV003786376.1).
Genomic context (GRCh38, chr14:67,865,069, plus strand): 5'-GGTCCACCAGGTTGTGGAAAAACTCAGTTTTGTATAATGATGAGCATTTTGGCTACATTA[C>T]CCACCAACATGGGAGGATTAGAAGGAGCTGTGGTGTACATTGACACAGAGTCTGCATTTA-3'
Protein context (NP_598194.1, residues 118-138): CIMMSILATL[Pro128Ser]TNMGGLEGAV